The following is an entry in ClinVar:

NM_000075.4(CDK4):c.633-3T>C

Genes: TSPAN31 (tetraspanin 31; plus strand), CDK4 (cyclin dependent kinase 4; minus strand). Cytogenetic location: 12q14.1.
Variant type: single nucleotide variant.
Coding change: c.633-3T>C on transcript NM_000075.4 (MANE Select); 3 bases into the intron before coding-DNA position 633, T replaced by C.
Molecular consequence: intron variant. On other transcripts: 3 prime UTR variant (3).
Genome position (GRCh38, 1-based): chr12:57,749,507, A>G on the plus strand (T>C on the coding strand, the complement: CDK4 is on the minus strand). VCF-style: chr12-57749507-A-G. GRCh37 (hg19) VCF-style: chr12-58143290-A-G.
Other names: c.*2217A>G (NM_001330168.2, NM_001330169.2, NM_005981.5).
Identifiers: ClinVar variation 632743 (VCV000632743.3), dbSNP rs1565805871, ClinGen allele CA913190964.

ClinVar aggregate classification (germline): Uncertain significance (1 of 4 stars; one submission).

Submission:

Women's Health and Genetics/Laboratory Corporation of America, LabCorp
Classification: Uncertain significance. Last evaluated: 2019-10-18. Review status: criteria provided, single submitter. Criteria: LabCorp Variant Classification Summary - May 2015. Collection method: clinical testing. Allele origin: germline.
Comment: Variant summary: CDK4 c.633-3T>C alters a non-conserved nucleotide located close to a canonical splice site and therefore could affect mRNA splicing, leading to a significantly altered protein sequence. 5/5 computational tools predict no significant impact on normal splicing. However, these predictions have yet to be confirmed by functional studies. The variant was absent in 251376 control chromosomes (gnomAD). The available data on variant occurrences in the general population are insufficient to allow any conclusion about variant significance. To our knowledge, no occurrence of c.633-3T>C in individuals affected with Cutaneous Malignant Melanoma and no experimental evidence demonstrating its impact on protein function have been reported. No other clinical diagnostic laboratories have submitted clinical-significance assessments for this variant to ClinVar after 2014. Based on the evidence outlined above, the variant was classified as uncertain significance.